The following is an entry in ClinVar:

ClinVar aggregate classification (germline): Benign (0 of 4 stars; one submission).

Conditions:
Autosomal dominant polycystic liver disease. Also called: Polycystic liver disease; Congenital cystic disease of liver. Identifiers: Orphanet 2924, MedGen C0158683, MONDO:0000447, HP:0006557.

Allele frequency attached by ClinVar (database versions not stated): gnomAD exomes below 0.00001; TOPMed below 0.00001; gnomAD 0.00001.
gnomAD v4.1: 3 of 1,613,922 alleles (0.00019%); highest among the groups gnomAD compares: Admixed American, 0.0017%; no homozygotes.

Submission:

Stefan Somlo Laboratory, Yale School of Medicine
Classification: Benign for Polycystic liver disease. Last evaluated: 2019-05-21. Review status: no assertion criteria provided. Collection method: research. Allele origin: unknown. Affected: yes. Observed: 1 variant allele.
Comment: Variant able to rescue ALG9 knockout effect on Polycystin-1 maturation in vitro

Literature cited by the submitters: PubMed 31395617.

NM_024740.2(ALG9):c.839C>T (p.Ala280Val)

Gene: ALG9 (ALG9 alpha-1,2-mannosyltransferase; minus strand). Cytogenetic location: 11q23.1.
Variant type: single nucleotide variant.
Coding change: c.839C>T on transcript NM_024740.2 (MANE Select); coding-DNA position 839, C replaced by T.
Protein change: p.Ala280Val; replaces alanine 280 with valine.
Molecular consequence: missense variant. On other transcripts: non-coding transcript variant (1).
Genome position (GRCh38, 1-based): chr11:111,853,436, G>A on the plus strand (C>T on the coding strand, the complement: ALG9 is on the minus strand). VCF-style: chr11-111853436-G-A. GRCh37 (hg19) VCF-style: chr11-111724159-G-A.
Other names: c.839C>T, p.Ala280Val (NM_001077690.1, NM_001352417.1, NM_001352418.1); c.326C>T, p.Ala109Val (NM_001077691.2, NM_001077692.2, NM_001352409.1 and 11 more transcripts); c.251C>T, p.Ala84Val (NM_001352422.2); short protein forms A280V, A109V, A84V.
Identifiers: ClinVar variation 638635 (VCV000638635.1), dbSNP rs1162365191, ClinGen allele CA382603945.
Genomic context (GRCh38, chr11:111,853,436, plus strand): 5'-TTACCATAAAGATCAGGTCCATGAGGAGTAAAGACATTATACAAAACAATGTTGAGTGGT[G>A]CAATCACCAACTTCCCATAATAGTAGCTGTCAATGACCACCACAGGCACCTAAAACAGAG-3'
Protein context (NP_079016.2, residues 270-290): DSYYYGKLVI[Ala280Val]PLNIVLYNVF